The following is an entry in ClinVar:

ClinVar aggregate classification (germline): Uncertain significance (1 of 4 stars; one submission).

Submission:

Labcorp Genetics (formerly Invitae), Labcorp
Classification: Uncertain significance. Last evaluated: 2025-08-29. Review status: criteria provided, single submitter. Criteria: Invitae Variant Classification Sherloc (09022015). Collection method: clinical testing. Allele origin: germline.
Comment: This sequence change falls in intron 23 of the CPLANE1 gene. It does not directly change the encoded amino acid sequence of the CPLANE1 protein. It affects a nucleotide within the consensus splice site. This variant is not present in population databases (gnomAD no frequency). This variant has not been reported in the literature in individuals affected with CPLANE1-related conditions. Variants that disrupt the consensus splice site are a relatively common cause of aberrant splicing (PMID: 17576681, 9536098). Algorithms developed to predict the effect of sequence changes on RNA splicing suggest that this variant may disrupt the consensus splice site. In summary, the available evidence is currently insufficient to determine the role of this variant in disease. Therefore, it has been classified as a Variant of Uncertain Significance.

Literature cited by the submitters: PubMed 17576681; PubMed 9536098.

NM_001384732.1(CPLANE1):c.4081-3A>G

Gene: CPLANE1 (ciliogenesis and planar polarity effector complex subunit 1; minus strand). Cytogenetic location: 5p13.2.
Variant type: single nucleotide variant.
Coding change: c.4081-3A>G on transcript NM_001384732.1 (MANE Select); 3 bases into the intron before coding-DNA position 4081, A replaced by G.
Molecular consequence: intron variant.
Genome position (GRCh38, 1-based): chr5:37,186,397, T>C on the plus strand (A>G on the coding strand, the complement: CPLANE1 is on the minus strand). VCF-style: chr5-37186397-T-C. GRCh37 (hg19) VCF-style: chr5-37186499-T-C.
Other names: c.4081-3A>G (NM_023073.4).
Identifiers: ClinVar variation 4748341 (VCV004748341.1).